The following is an entry in ClinVar:

ClinVar aggregate classification (germline): Uncertain significance (1 of 4 stars; one submission).

Submission:

Labcorp Genetics (formerly Invitae), Labcorp
Classification: Uncertain significance. Last evaluated: 2023-06-28. Review status: criteria provided, single submitter. Criteria: Invitae Variant Classification Sherloc (09022015). Collection method: clinical testing. Allele origin: germline.
Comment: This variant has not been reported in the literature in individuals affected with TJP2-related conditions. An algorithm developed to predict the effect of missense changes on protein structure and function (PolyPhen-2) suggests that this variant is likely to be disruptive. In summary, the available evidence is currently insufficient to determine the role of this variant in disease. Therefore, it has been classified as a Variant of Uncertain Significance. This variant is not present in population databases (gnomAD no frequency). This sequence change replaces lysine, which is basic and polar, with asparagine, which is neutral and polar, at codon 1081 of the TJP2 protein (p.Lys1081Asn).

NM_004817.4(TJP2):c.3243A>T (p.Lys1081Asn)

Gene: TJP2 (tight junction protein 2; plus strand). Cytogenetic location: 9q21.11.
Variant type: single nucleotide variant.
Coding change: c.3243A>T on transcript NM_004817.4 (MANE Select); coding-DNA position 3243, A replaced by T.
Protein change: p.Lys1081Asn; replaces lysine 1081 with asparagine.
Molecular consequence: missense variant. On other transcripts: intron variant (3).
Genome position (GRCh38, 1-based): chr9:69,251,286, A>T. VCF-style: chr9-69251286-A-T. GRCh37 (hg19) VCF-style: chr9-71866202-A-T.
Other names: c.3144A>T, p.Lys1048Asn (NM_001170415.1); c.3336A>T, p.Lys1112Asn (NM_001170416.2); c.3168A>T, p.Lys1056Asn (NM_001369870.1); c.3174A>T, p.Lys1058Asn (NM_001369871.1); c.3132A>T, p.Lys1044Asn (NM_001369872.1); c.2919A>T, p.Lys973Asn (NM_001369873.1); c.3255A>T, p.Lys1085Asn (NM_001369875.1); c.2812-1529A>T (NM_001170414.2); and 2 more; short protein forms K1081N, K973N, K1085N, K1056N, K1058N, K1044N, K1048N, K1112N.
Identifiers: ClinVar variation 2853030 (VCV002853030.3), dbSNP rs2538702604, ClinGen allele CA373542103.
Genomic context (GRCh38, chr9:69,251,286, plus strand): 5'-TGAGGAGGTGGGAGAGAGCAGTGAGGAGCAAGATAATGCTCCCAAATCAGTCCTGGGCAA[A>T]GTCAAAATATTTGAGAAGATGGATCACAAGGCCAGGTTACAGAGAATGCAGGAGCTCCAG-3'
Protein context (NP_004808.2, residues 1071-1091): QDNAPKSVLG[Lys1081Asn]VKIFEKMDHK